The following is an entry in ClinVar:

NM_004972.4(JAK2):c.208G>A (p.Ala70Thr)

Genes: INSL6 (insulin like 6; minus strand), JAK2 (Janus kinase 2; plus strand). Cytogenetic location: 9p24.1.
Variant type: single nucleotide variant.
Coding change: c.208G>A on transcript NM_004972.4 (MANE Select); coding-DNA position 208, G replaced by A.
Protein change: p.Ala70Thr; replaces alanine 70 with threonine.
Molecular consequence: missense variant. On other transcripts: 5 prime UTR variant (2), non-coding transcript variant (2).
Genome position (GRCh38, 1-based): chr9:5,022,195, G>A. VCF-style: chr9-5022195-G-A. GRCh37 (hg19) VCF-style: chr9-5022195-G-A.
Other names: c.208G>A, p.Ala70Thr (NM_001322194.2, NM_001322195.2, NM_001322196.2); c.-913G>A (NM_001322198.2, NM_001322199.2); short protein forms A70T.
Identifiers: ClinVar variation 4874856 (VCV004874856.2).

ClinVar aggregate classification (germline): Uncertain significance (1 of 4 stars; one submission).

gnomAD v4.1: 1 of 1,613,514 alleles (0.000062%); highest among the groups gnomAD compares: Non-Finnish European, 0.000085%; no homozygotes.

Submission:

CeGaT Center for Human Genetics Tuebingen
Classification: Uncertain significance. Last evaluated: 2026-04-01. Review status: criteria provided, single submitter. Criteria: CeGaT Center For Human Genetics Tuebingen Variant Classification Criteria Version 2. Collection method: clinical testing. Allele origin: germline. Affected: yes. Observed: 1 variant allele.
Comment: JAK2: PM2, BP4